The following is an entry in ClinVar:

ClinVar aggregate classification (germline): Uncertain significance (1 of 4 stars; one submission).

Conditions:
Developmental and epileptic encephalopathy, 14 (DEE14). Also called: Early infantile epileptic encephalopathy 14. Identifiers: Orphanet 293181, MedGen C3554195, MONDO:0013989, OMIM 614959.
Autosomal dominant nocturnal frontal lobe epilepsy 5. Also called: KCNT1-Related Epilepsy; CILIARY DYSKINESIA, PRIMARY, 28, WITH SITUS INVERSUS; Epilepsy, nocturnal frontal lobe, 5; CILIARY DYSKINESIA, PRIMARY, 28, WITHOUT SITUS INVERSUS. Identifiers: Orphanet 98784, MedGen C3554306, MONDO:0014002, OMIM 615005.

Allele frequency attached by ClinVar (database versions not stated): gnomAD exomes 0.00001.
gnomAD v4.1: 17 of 1,612,976 alleles (0.0011%); highest among the groups gnomAD compares: Non-Finnish European, 0.0014%; no homozygotes.

Submission:

Labcorp Genetics (formerly Invitae), Labcorp
Classification: Uncertain significance for Autosomal dominant nocturnal frontal lobe epilepsy 5; Developmental and epileptic encephalopathy, 14. Last evaluated: 2022-09-27. Review status: criteria provided, single submitter. Criteria: Invitae Variant Classification Sherloc (09022015). Collection method: clinical testing. Allele origin: germline.
Comment: This sequence change replaces proline, which is neutral and non-polar, with serine, which is neutral and polar, at codon 1053 of the KCNT1 protein (p.Pro1053Ser). This variant is not present in population databases (gnomAD no frequency). This variant has not been reported in the literature in individuals affected with KCNT1-related conditions. ClinVar contains an entry for this variant (Variation ID: 1435887). Algorithms developed to predict the effect of missense changes on protein structure and function (SIFT, PolyPhen-2, Align-GVGD) all suggest that this variant is likely to be tolerated. In summary, the available evidence is currently insufficient to determine the role of this variant in disease. Therefore, it has been classified as a Variant of Uncertain Significance.

NM_020822.3(KCNT1):c.3157C>T (p.Pro1053Ser)

Gene: KCNT1 (potassium sodium-activated channel subfamily T member 1; plus strand). Cytogenetic location: 9q34.3.
Variant type: single nucleotide variant.
Coding change: c.3157C>T on transcript NM_020822.3 (MANE Select); coding-DNA position 3157, C replaced by T.
Protein change: p.Pro1053Ser; replaces proline 1053 with serine.
Molecular consequence: missense variant.
Genome position (GRCh38, 1-based): chr9:135,785,310, C>T. VCF-style: chr9-135785310-C-T. GRCh37 (hg19) VCF-style: chr9-138677156-C-T.
Other names: c.3022C>T, p.Pro1008Ser (NM_001272003.2); short protein forms P1008S, P1053S.
Identifiers: ClinVar variation 1435887 (VCV001435887.8), dbSNP rs1833952592, ClinGen allele CA375490626.
Genomic context (GRCh38, chr9:135,785,310, plus strand): 5'-GGCGGCGTGGGGGGCAGGGGTGCGCCCACAGGTCCCAGACTGCGCCTGTTTCCTTTGCAG[C>T]CCCACGACCTCAGAGCCCAGGTAAGCAACCCCTCCGTGCCCACGCAGCTTCTGCGGAGCA-3'
Protein context (NP_065873.2, residues 1043-1063): TESHVFSTSE[Pro1053Ser]HDLRAQSQIS